The following is an entry in ClinVar:

ClinVar aggregate classification (germline): Uncertain significance. Review status: criteria provided, multiple submitters, no conflicts (2 of 4 stars). 2 submissions from 2 submitters: Uncertain significance (2). Last evaluated 2024-02-01.

Conditions:
KBG syndrome (KBGS). Also called: ANKRD11-Related KBG Syndrome. Identifiers: Orphanet 2332, MedGen C0220687, MONDO:0007846, OMIM 148050.

Submissions (2):

Neuberg Centre For Genomic Medicine, NCGM
Classification: Uncertain significance for KBG syndrome. Last evaluated: 2024-02-01. Review status: criteria provided, single submitter. Criteria: ACMG Guidelines, 2015. Collection method: clinical testing. Allele origin: germline. Inheritance: Autosomal dominant inheritance.
Comment: The above variant has not been reported previously as a pathogenic variant nor as a benign variant, to our knowledge. For these reasons, this variant has been classified as Variant of Uncertain Significance (VUS)

GeneDx
Classification: Uncertain significance. Last evaluated: 2022-03-15. Review status: criteria provided, single submitter. Criteria: GeneDx Variant Classification Process June 2021. Collection method: clinical testing. Allele origin: germline. Affected: yes.
Comment: Not observed in large population cohorts (gnomAD); In silico analysis, which includes protein predictors and evolutionary conservation, supports that this variant does not alter protein structure/function; Has not been previously published as pathogenic or benign to our knowledge

NM_013275.6(ANKRD11):c.5404G>C (p.Glu1802Gln)

Gene: ANKRD11 (ankyrin repeat domain 11; minus strand). Cytogenetic location: 16q24.3.
Variant type: single nucleotide variant.
Coding change: c.5404G>C on transcript NM_013275.6 (MANE Select); coding-DNA position 5404, G replaced by C.
Protein change: p.Glu1802Gln; replaces glutamic acid 1802 with glutamine.
Molecular consequence: missense variant.
Genome position (GRCh38, 1-based): chr16:89,281,138, C>G on the plus strand (G>C on the coding strand, the complement: ANKRD11 is on the minus strand). VCF-style: chr16-89281138-C-G. GRCh37 (hg19) VCF-style: chr16-89347546-C-G.
Other names: c.5404G>C, p.Glu1802Gln (NM_001256182.2, NM_001256183.2); short protein forms E1802Q.
Identifiers: ClinVar variation 1313701 (VCV001313701.4), dbSNP rs2151744560, ClinGen allele CA397154368.